The following is an entry in ClinVar:

ClinVar aggregate classification (germline): Benign/Likely benign. Review status: criteria provided, multiple submitters, no conflicts (2 of 4 stars). 10 submissions from 10 submitters: Benign (1); Likely benign (7). 2 of the submissions do not count toward it. Last evaluated 2026-01-27.

Conditions:
Inborn genetic diseases. Identifiers: MedGen C0950123, MeSH D030342.
Cohen syndrome (COH1). Also called: Cutis verticis gyrata, retinitis pigmentosa, and sensorineural deafness; PEPPER SYNDROME. Identifiers: Orphanet 193, MedGen C0265223, MONDO:0008999, OMIM 216550.

Allele frequency attached by ClinVar (database versions not stated): gnomAD exomes 0.00018 and 0.00032; ExAC 0.00032; 1000 Genomes Project 0.00060; 1000 Genomes Project 30x 0.00062; ESP Exome Variant Server 0.00077; gnomAD 0.00117 and 0.00126; TOPMed 0.00146.
gnomAD v4.1: 453 of 1,614,050 alleles (0.028%); highest among the groups gnomAD compares: African/African-American, 0.4%; 1 homozygote.

Submissions (10):

Labcorp Genetics (formerly Invitae), Labcorp
Classification: Benign for Cohen syndrome. Last evaluated: 2026-01-27. Review status: criteria provided, single submitter. Criteria: Invitae Variant Classification Sherloc (09022015). Collection method: clinical testing. Allele origin: germline.

Blueprint Genetics
Classification: Likely benign. Last evaluated: 2024-11-06. Review status: criteria provided, single submitter. Criteria: ACMG Guidelines, 2015. Collection method: clinical testing. Allele origin: germline.

CeGaT Center for Human Genetics Tuebingen
Classification: Likely benign. Last evaluated: 2023-02-01. Review status: criteria provided, single submitter. Criteria: CeGaT Center For Human Genetics Tuebingen Variant Classification Criteria Version 2. Collection method: clinical testing. Allele origin: germline. Affected: yes. Observed: 1 variant allele.
Comment: VPS13B: BP4, BP7

Women's Health and Genetics/Laboratory Corporation of America, LabCorp
Classification: Likely benign. Last evaluated: 2022-02-17. Review status: criteria provided, single submitter. Criteria: LabCorp Variant Classification Summary - May 2015. Collection method: clinical testing. Allele origin: germline.

Ambry Genetics
Classification: Likely benign for Inborn genetic diseases. Last evaluated: 2017-11-17. Review status: criteria provided, single submitter. Criteria: Ambry Variant Classification Scheme 2023. Collection method: clinical testing. Allele origin: germline.

Illumina Laboratory Services, Illumina
Classification: Likely benign for Cohen syndrome. Last evaluated: 2017-04-28. Review status: criteria provided, single submitter. Criteria: ICSL Variant Classification Criteria 13 December 2019. Collection method: clinical testing. Allele origin: germline.
Comment: This variant was observed as part of a predisposition screen in an ostensibly healthy population. A literature search was performed for the gene, cDNA change, and amino acid change (where applicable). No publications were found based on this search. Allele frequency data from public databases allowed determination this variant is unlikely to cause disease. Therefore, this variant is classified as likely benign.

Breakthrough Genomics
Classification: Likely benign. Review status: criteria provided, single submitter. Criteria: ACMG Guidelines, 2015. Collection method: not provided. Allele origin: germline. Inheritance: Autosomal recessive inheritance. Affected: yes.

PreventionGenetics, part of Exact Sciences
Classification: Likely benign. Review status: criteria provided, single submitter. Criteria: ACMG Guidelines, 2015. Collection method: clinical testing. Allele origin: germline.

Clinical Genetics DNA and cytogenetics Diagnostics Lab, Erasmus MC, Erasmus Medical Center
Classification: Likely benign. Review status: no assertion criteria provided. Collection method: clinical testing. Allele origin: germline. Affected: yes. Study: VKGL Data-share Consensus. Not counted in ClinVar's aggregate classification.

Clinical Genetics, Academic Medical Center
Classification: Likely benign. Review status: no assertion criteria provided. Collection method: clinical testing. Allele origin: germline. Affected: yes. Study: VKGL Data-share Consensus. Not counted in ClinVar's aggregate classification.

NM_152564.5(VPS13B):c.10824C>T (p.His3608=)

Gene: VPS13B (vacuolar protein sorting 13 homolog B; plus strand). Cytogenetic location: 8q22.2.
Variant type: single nucleotide variant.
Coding change: c.10824C>T on transcript NM_152564.5 (MANE Select); coding-DNA position 10824, C replaced by T.
Protein change: p.His3608=; no amino-acid change (histidine 3608 retained).
Molecular consequence: synonymous variant.
Genome position (GRCh38, 1-based): chr8:99,854,213, C>T. VCF-style: chr8-99854213-C-T. GRCh37 (hg19) VCF-style: chr8-100866441-C-T.
Other names: c.10899C>T, p.His3633= (NM_017890.5).
Identifiers: ClinVar variation 262653 (VCV000262653.50), dbSNP rs114818249, ClinGen allele CA4825023.